The following is an entry in ClinVar:

NM_000256.3(MYBPC3):c.1063A>G (p.Met355Val)

Gene: MYBPC3 (myosin binding protein C3; minus strand). Cytogenetic location: 11p11.2.
Variant type: single nucleotide variant.
Coding change: c.1063A>G on transcript NM_000256.3 (MANE Select); coding-DNA position 1063, A replaced by G.
Protein change: p.Met355Val; replaces methionine 355 with valine.
Molecular consequence: missense variant.
Genome position (GRCh38, 1-based): chr11:47,346,234, T>C on the plus strand (A>G on the coding strand, the complement: MYBPC3 is on the minus strand). VCF-style: chr11-47346234-T-C. GRCh37 (hg19) VCF-style: chr11-47367785-T-C.
Other names: short protein forms M355V.
Identifiers: ClinVar variation 2156145 (VCV002156145.5), dbSNP rs1206125739, ClinGen allele CA380331085.

ClinVar aggregate classification (germline): Uncertain significance. Review status: criteria provided, multiple submitters, no conflicts (2 of 4 stars). 2 submissions from 2 submitters: Uncertain significance (2). Last evaluated 2023-11-01.

Conditions:
Cardiovascular phenotype. Identifiers: MedGen CN230736.
Hypertrophic cardiomyopathy. Also called: HYPERTROPHIC MYOCARDIOPATHY. Identifiers: Orphanet 217569, MedGen C0007194, MeSH D002312, MONDO:0005045, HP:0001639.

Allele frequency attached by ClinVar (database versions not stated): gnomAD exomes below 0.00001; TOPMed 0.00001.

Submissions (2):

Ambry Genetics
Classification: Uncertain significance for Cardiovascular phenotype. Last evaluated: 2023-11-01. Review status: criteria provided, single submitter. Criteria: Ambry Variant Classification Scheme 2023. Collection method: clinical testing. Allele origin: germline.
Comment: The p.M355V variant (also known as c.1063A>G), located in coding exon 12 of the MYBPC3 gene, results from an A to G substitution at nucleotide position 1063. The methionine at codon 355 is replaced by valine, an amino acid with highly similar properties. This amino acid position is conserved. In addition, this alteration is predicted to be tolerated by in silico analysis. Since supporting evidence is limited at this time, the clinical significance of this alteration remains unclear.

Labcorp Genetics (formerly Invitae), Labcorp
Classification: Uncertain significance for Hypertrophic cardiomyopathy. Last evaluated: 2022-03-26. Review status: criteria provided, single submitter. Criteria: Invitae Variant Classification Sherloc (09022015). Collection method: clinical testing. Allele origin: germline.
Comment: This sequence change replaces methionine, which is neutral and non-polar, with valine, which is neutral and non-polar, at codon 355 of the MYBPC3 protein (p.Met355Val). In summary, the available evidence is currently insufficient to determine the role of this variant in disease. Therefore, it has been classified as a Variant of Uncertain Significance. Algorithms developed to predict the effect of missense changes on protein structure and function (SIFT, PolyPhen-2, Align-GVGD) all suggest that this variant is likely to be tolerated. This variant has not been reported in the literature in individuals affected with MYBPC3-related conditions. This variant is not present in population databases (gnomAD no frequency).